The following is an entry in ClinVar:

NM_016222.4(DDX41):c.1613A>G (p.Lys538Arg)

Gene: DDX41 (DEAD-box helicase 41; minus strand). Cytogenetic location: 5q35.3.
Variant type: single nucleotide variant.
Coding change: c.1613A>G on transcript NM_016222.4 (MANE Select); coding-DNA position 1613, A replaced by G.
Protein change: p.Lys538Arg; replaces lysine 538 with arginine.
Molecular consequence: missense variant.
Genome position (GRCh38, 1-based): chr5:177,512,330, T>C on the plus strand (A>G on the coding strand, the complement: DDX41 is on the minus strand). VCF-style: chr5-177512330-T-C. GRCh37 (hg19) VCF-style: chr5-176939331-T-C.
Other names: c.1235A>G, p.Lys412Arg (NM_001321732.2, NM_001321830.2); short protein forms K412R, K538R.
Identifiers: ClinVar variation 4869625 (VCV004869625.1).

ClinVar aggregate classification (germline): Uncertain significance (1 of 4 stars; one submission).

Conditions:
Inborn genetic diseases. Identifiers: MedGen C0950123, MeSH D030342.

Submission:

Ambry Genetics
Classification: Uncertain significance for Inborn genetic diseases. Last evaluated: 2026-03-25. Review status: criteria provided, single submitter. Criteria: Ambry Variant Classification Scheme 2023. Collection method: clinical testing. Allele origin: germline.
Comment: The p.K538R variant (also known as c.1613A>G), located in coding exon 15 of the DDX41 gene, results from an A to G substitution at nucleotide position 1613. The lysine at codon 538 is replaced by arginine, an amino acid with highly similar properties. This amino acid position is conserved. In addition, the in silico prediction for this alteration is inconclusive. Based on the available evidence, the clinical significance of this variant remains unclear.